The following is an entry in ClinVar:

ClinVar aggregate classification (germline): Uncertain significance (1 of 4 stars; one submission).

gnomAD v4.1: 2 of 1,611,982 alleles (0.00012%); highest among the groups gnomAD compares: Non-Finnish European, 0.000085%; no homozygotes.

Submission:

CeGaT Center for Human Genetics Tuebingen
Classification: Uncertain significance. Last evaluated: 2024-12-01. Review status: criteria provided, single submitter. Criteria: CeGaT Center For Human Genetics Tuebingen Variant Classification Criteria Version 2. Collection method: clinical testing. Allele origin: germline. Affected: yes. Observed: 1 variant allele.
Comment: FNIP1: PM2, BP4

NM_133372.3(FNIP1):c.1169A>G (p.Tyr390Cys)

Gene: FNIP1 (folliculin interacting protein 1; minus strand). Cytogenetic location: 5q31.1.
Variant type: single nucleotide variant.
Coding change: c.1169A>G on transcript NM_133372.3 (MANE Select); coding-DNA position 1169, A replaced by G.
Protein change: p.Tyr390Cys; replaces tyrosine 390 with cysteine.
Molecular consequence: missense variant.
Genome position (GRCh38, 1-based): chr5:131,698,950, T>C on the plus strand (A>G on the coding strand, the complement: FNIP1 is on the minus strand). VCF-style: chr5-131698950-T-C. GRCh37 (hg19) VCF-style: chr5-131034643-T-C.
Other names: c.1085A>G, p.Tyr362Cys (NM_001008738.3); c.1169A>G, p.Tyr390Cys (NM_001346113.2); c.1034A>G, p.Tyr345Cys (NM_001346114.2); short protein forms Y345C, Y362C, Y390C.
Identifiers: ClinVar variation 3771828 (VCV003771828.13).